The following is an entry in ClinVar:

ClinVar aggregate classification (germline): Uncertain significance (1 of 4 stars; one submission).

Conditions:
Muscular dystrophy-dystroglycanopathy (congenital with impaired intellectual development), type B, 3. Also called: Muscular dystrophy-dystroglycanopathy (congenital with intellectual disability), type B3; MUSCULAR DYSTROPHY, CONGENITAL, POMGNT1-RELATED. Identifiers: MedGen C3150412, MONDO:0013155, OMIM 613151.
Autosomal recessive limb-girdle muscular dystrophy type 2O. Also called: Limb-Girdle Muscular Dystrophy Type 3C; MUSCULAR DYSTROPHY-DYSTROGLYCANOPATHY (LIMB-GIRDLE), TYPE C, 3; MUSCULAR DYSTROPHY-DYSTROGLYCANOPATHY, LIMB-GIRDLE, POMGNT1-RELATED. Identifiers: Orphanet 206564, MedGen C3150417, MONDO:0013161, OMIM 613157.

Allele frequency attached by ClinVar (database versions not stated): gnomAD exomes below 0.00001.
gnomAD v4.1: 2 of 1,613,758 alleles (0.00012%); highest among the groups gnomAD compares: South Asian, 0.0022%; no homozygotes.

Submission:

Labcorp Genetics (formerly Invitae), Labcorp
Classification: Uncertain significance for Autosomal recessive limb-girdle muscular dystrophy type 2O; Muscular dystrophy-dystroglycanopathy (congenital with impaired intellectual development), type B, 3. Last evaluated: 2023-10-03. Review status: criteria provided, single submitter. Criteria: Invitae Variant Classification Sherloc (09022015). Collection method: clinical testing. Allele origin: germline.
Comment: This sequence change replaces lysine, which is basic and polar, with arginine, which is basic and polar, at codon 364 of the POMGNT1 protein (p.Lys364Arg). This variant is not present in population databases (gnomAD no frequency). This variant has not been reported in the literature in individuals affected with POMGNT1-related conditions. ClinVar contains an entry for this variant (Variation ID: 565612). Advanced modeling of protein sequence and biophysical properties (such as structural, functional, and spatial information, amino acid conservation, physicochemical variation, residue mobility, and thermodynamic stability) performed at Invitae indicates that this missense variant is not expected to disrupt POMGNT1 protein function. In summary, the available evidence is currently insufficient to determine the role of this variant in disease. Therefore, it has been classified as a Variant of Uncertain Significance.

NM_017739.4(POMGNT1):c.1091A>G (p.Lys364Arg)

Genes: POMGNT1 (protein O-linked mannose N-acetylglucosaminyltransferase 1 (beta 1,2-); minus strand), TSPAN1 (tetraspanin 1; plus strand). Cytogenetic location: 1p34.1.
Variant type: single nucleotide variant.
Coding change: c.1091A>G on transcript NM_017739.4 (MANE Select); coding-DNA position 1091, A replaced by G.
Protein change: p.Lys364Arg; replaces lysine 364 with arginine.
Molecular consequence: missense variant.
Genome position (GRCh38, 1-based): chr1:46,193,324, T>C on the plus strand (A>G on the coding strand, the complement: POMGNT1 is on the minus strand). VCF-style: chr1-46193324-T-C. GRCh37 (hg19) VCF-style: chr1-46658996-T-C.
Other names: c.1091A>G, p.Lys364Arg (NM_001243766.2, NM_001410783.1); c.1025A>G, p.Lys342Arg (NM_001290129.3); c.662A>G, p.Lys221Arg (NM_001290130.2); short protein forms K364R, K221R, K342R.
Identifiers: ClinVar variation 565612 (VCV000565612.10), dbSNP rs1557673272, ClinGen allele CA340179817.